The following is an entry in ClinVar:

ClinVar aggregate classification (germline): Likely benign. Review status: criteria provided, multiple submitters, no conflicts (2 of 4 stars). 3 submissions from 3 submitters: Likely benign (3). Last evaluated 2026-09-04.

Conditions:
MYO15A-related disorder. Also called: MYO15A-related condition.

Allele frequency attached by ClinVar (database versions not stated): gnomAD exomes 0.00003; ExAC 0.00004; TOPMed 0.00006; gnomAD 0.00009.
gnomAD v4.1: 52 of 1,613,876 alleles (0.0032%); highest among the groups gnomAD compares: African/African-American, 0.0093%; 1 homozygote.

Submissions (3):

PreventionGenetics, part of Exact Sciences
Classification: Likely benign for MYO15A-related condition. Last evaluated: 2026-09-04. Review status: criteria provided, single submitter. Criteria: ACMG Guidelines, 2015. Collection method: clinical testing. Allele origin: germline.
Comment: This variant is classified as likely benign based on ACMG/AMP sequence variant interpretation guidelines (Richards et al. 2015 PMID: 25741868, with internal and published modifications).

Labcorp Genetics (formerly Invitae), Labcorp
Classification: Likely benign. Last evaluated: 2024-01-31. Review status: criteria provided, single submitter. Criteria: Invitae Variant Classification Sherloc (09022015). Collection method: clinical testing. Allele origin: germline.

CeGaT Center for Human Genetics Tuebingen
Classification: Likely benign. Last evaluated: 2023-08-01. Review status: criteria provided, single submitter. Criteria: CeGaT Center For Human Genetics Tuebingen Variant Classification Criteria Version 2. Collection method: clinical testing. Allele origin: germline. Affected: yes. Observed: 1 variant allele.
Comment: MYO15A: BP4, BP7

NM_016239.4(MYO15A):c.5424G>A (p.Glu1808=)

Gene: MYO15A (myosin XVA; plus strand). Cytogenetic location: 17p11.2.
Variant type: single nucleotide variant.
Coding change: c.5424G>A on transcript NM_016239.4 (MANE Select); coding-DNA position 5424, G replaced by A.
Protein change: p.Glu1808=; no amino-acid change (glutamic acid 1808 retained).
Molecular consequence: synonymous variant.
Genome position (GRCh38, 1-based): chr17:18,141,036, G>A. VCF-style: chr17-18141036-G-A. GRCh37 (hg19) VCF-style: chr17-18044350-G-A.
Other names: c.5424G>A (NM_016239.3).
Identifiers: ClinVar variation 2647544 (VCV002647544.28), dbSNP rs373645792, ClinGen allele CA8424280.